The following is an entry in ClinVar:

NM_006267.5(RANBP2):c.6889_6906del (p.Ser2297_Glu2302del)

Gene: RANBP2 (RAN binding protein 2; plus strand). Cytogenetic location: 2q13.
Variant type: Deletion.
Coding change: c.6889_6906del on transcript NM_006267.5 (MANE Select); coding-DNA positions 6889 to 6906, 18 bases deleted (TCTGATGTTACTCAAGAA).
Protein change: p.Ser2297_Glu2302del.
Molecular consequence: inframe deletion.
Genome position (GRCh38, 1-based): chr2:108,767,428-108,767,445, TCTGATGTTACTCAAGAA deleted; deleting any 18 consecutive bases within chr2:108,767,423-108,767,445 gives the same sequence; the c. name uses the placement nearest the transcript's 3' end. VCF-style (leftmost placement, unchanged base first): chr2-108767422-GAAGAATCTGATGTTACTC-G. GRCh37 (hg19) VCF-style: chr2-109383878-GAAGAATCTGATGTTACTC-G.
Identifiers: ClinVar variation 1059681 (VCV001059681.10), dbSNP rs2149283036, ClinGen allele CA2499214943.

ClinVar aggregate classification (germline): Uncertain significance (1 of 4 stars; one submission).

Conditions:
Familial acute necrotizing encephalopathy (IIAE3). Also called: ENCEPHALOPATHY, ACUTE, INFECTION-INDUCED, SUSCEPTIBILITY TO, 3; Susceptibility to Acute Necrotizing Encephalopathy 1. Identifiers: Orphanet 88619, MedGen C2675556, MONDO:0011953, OMIM 608033.

Submission:

Labcorp Genetics (formerly Invitae), Labcorp
Classification: Uncertain significance for Familial acute necrotizing encephalopathy. Last evaluated: 2020-03-05. Review status: criteria provided, single submitter. Criteria: Invitae Variant Classification Sherloc (09022015). Collection method: clinical testing. Allele origin: germline.
Comment: This variant, c.6889_6906del, results in the deletion of 6 amino acid(s) of the RANBP2 protein (p.Ser2297_Glu2302del), but otherwise preserves the integrity of the reading frame. This variant is not present in population databases (ExAC no frequency). This variant has not been reported in the literature in individuals with RANBP2-related conditions. Experimental studies and prediction algorithms are not available or were not evaluated, and the functional significance of this variant is currently unknown. In summary, the available evidence is currently insufficient to determine the role of this variant in disease. Therefore, it has been classified as a Variant of Uncertain Significance.